The following is an entry in ClinVar:

NC_000005.10:g.148063797G>A

Gene: SPINK5 (serine peptidase inhibitor Kazal type 5; plus strand). Cytogenetic location: 5q32.
Variant type: single nucleotide variant.
Genome position: GRCh38 VCF-style: chr5-148063797-G-A. GRCh37 (hg19) VCF-style: chr5-147443360-G-A.
Identifiers: ClinVar variation 1165060 (VCV001165060.9), dbSNP rs2287774, ClinGen allele CA129716967.

ClinVar aggregate classification (germline): Benign. Review status: criteria provided, multiple submitters, no conflicts (2 of 4 stars). 2 submissions from 2 submitters: Benign (2). Last evaluated 2026-01-26.

Conditions:
Ichthyosis linearis circumflexa. Identifiers: MedGen C0265962, MONDO:0043106, HP:0025810.

Allele frequency attached by ClinVar (database versions not stated): gnomAD 0.03115 and 0.03408; TOPMed 0.03117; gnomAD exomes 0.04656; 1000 Genomes Project 30x 0.05012; 1000 Genomes Project 0.05212.

Submissions (2):

Labcorp Genetics (formerly Invitae), Labcorp
Classification: Benign for Ichthyosis linearis circumflexa. Last evaluated: 2026-01-26. Review status: criteria provided, single submitter. Criteria: Invitae Variant Classification Sherloc (09022015). Collection method: clinical testing. Allele origin: germline.

GeneDx
Classification: Benign. Last evaluated: 2018-06-26. Review status: criteria provided, single submitter. Criteria: GeneDx Variant Classification Process June 2021. Collection method: clinical testing. Allele origin: germline. Affected: yes.
Comment: This variant is associated with the following publications: (PMID: 19534795)